The following is an entry in ClinVar:

NM_001378454.1(ALMS1):c.12265C>A (p.His4089Asn)

Genes: ALMS1 (ALMS1 centrosome and basal body associated protein; plus strand), LOC126806252 (BRD4-independent group 4 enhancer GRCh37_chr2:73828496-73829695; plus strand). Cytogenetic location: 2p13.1.
Variant type: single nucleotide variant.
Coding change: c.12265C>A on transcript NM_001378454.1 (MANE Select); coding-DNA position 12265, C replaced by A.
Protein change: p.His4089Asn; replaces histidine 4089 with asparagine.
Molecular consequence: missense variant.
Genome position (GRCh38, 1-based): chr2:73,602,335, C>A. VCF-style: chr2-73602335-C-A. GRCh37 (hg19) VCF-style: chr2-73829462-C-A.
Other names: c.12268C>A, p.His4090Asn (NM_015120.4); short protein forms H4089N, H4090N.
Identifiers: ClinVar variation 1494611 (VCV001494611.6), dbSNP rs2104200202, ClinGen allele CA347268614.

ClinVar aggregate classification (germline): Uncertain significance (1 of 4 stars; one submission).

Conditions:
Alstrom syndrome (ALMS). Identifiers: Orphanet 64, MedGen C0268425, MONDO:0008763, OMIM 203800.

Submission:

Labcorp Genetics (formerly Invitae), Labcorp
Classification: Uncertain significance for Alstrom syndrome. Last evaluated: 2021-05-29. Review status: criteria provided, single submitter. Criteria: Invitae Variant Classification Sherloc (09022015). Collection method: clinical testing. Allele origin: germline.
Comment: In summary, the available evidence is currently insufficient to determine the role of this variant in disease. Therefore, it has been classified as a Variant of Uncertain Significance. Experimental studies and prediction algorithms are not available or were not evaluated, and the functional significance of this variant is currently unknown. This variant has not been reported in the literature in individuals with ALMS1-related conditions. This variant is not present in population databases (ExAC no frequency). This sequence change replaces histidine with asparagine at codon 4090 of the ALMS1 protein (p.His4090Asn). The histidine residue is weakly conserved and there is a small physicochemical difference between histidine and asparagine.